The following is an entry in ClinVar:

NM_001042492.3(NF1):c.7458-5T>G

Gene: NF1 (neurofibromin 1; plus strand). Cytogenetic location: 17q11.2.
Variant type: single nucleotide variant.
Coding change: c.7458-5T>G on transcript NM_001042492.3 (MANE Select); 5 bases into the intron before coding-DNA position 7458, T replaced by G.
Molecular consequence: intron variant.
Genome position (GRCh38, 1-based): chr17:31,352,252, T>G. VCF-style: chr17-31352252-T-G. GRCh37 (hg19) VCF-style: chr17-29679270-T-G.
Other names: c.7395-5T>G (NM_000267.4).
Identifiers: ClinVar variation 1758677 (VCV001758677.7), dbSNP rs2151576873, ClinGen allele CA2580093403.
Genomic context (GRCh38, chr17:31,352,252, plus strand): 5'-GAGCAAACGATGGTTGTATTTGTCACCATATTAATTGATTTTTCTCTATTGTTTTCATCT[T>G]TCAGGACACTAAAGGAGACTCAGCCATGGTCCTCTCCCAAAGGTTCTGAAGGATACCTTG-3'

ClinVar aggregate classification (germline): Conflicting classifications of pathogenicity. Review status: criteria provided, conflicting classifications (1 of 4 stars). 2 submissions from 2 submitters: Uncertain significance (1); Likely benign (1). Last evaluated 2024-02-12.

Conditions:
Neurofibromatosis, type 1 (NF1). Also called: Peripheral type neurofibromatosis; VON RECKLINGHAUSEN DISEASE; NEUROFIBROMATOSIS, TYPE I, SOMATIC; Neurofibromatosis, type I. Identifiers: Orphanet 636, MedGen C0027831, MONDO:0018975, OMIM 162200. Disease mechanism: loss of function.
Cardiovascular phenotype. Identifiers: MedGen CN230736.
Hereditary cancer-predisposing syndrome. Also called: Neoplastic Syndromes, Hereditary; Tumor predisposition; Hereditary neoplastic syndrome; Hereditary Cancer Syndrome. Identifiers: Orphanet 140162, MedGen C0027672, MeSH D009386, MONDO:0015356.

Submissions (2):

Labcorp Genetics (formerly Invitae), Labcorp
Classification: Likely benign for Neurofibromatosis, type 1. Last evaluated: 2024-02-12. Review status: criteria provided, single submitter. Criteria: Invitae Variant Classification Sherloc (09022015). Collection method: clinical testing. Allele origin: germline.

Ambry Genetics
Classification: Uncertain significance for Cardiovascular phenotype; Hereditary cancer-predisposing syndrome. Last evaluated: 2022-09-20. Review status: criteria provided, single submitter. Criteria: Ambry Variant Classification Scheme 2023. Collection method: clinical testing. Allele origin: germline.
Comment: The c.7395-5T>G intronic variant results from a T to G substitution 5 nucleotides upstream from coding exon 50 in the NF1 gene. This nucleotide position is poorly conserved in available vertebrate species. In silico splice site analysis predicts that this alteration will not have any significant effect on splicing; however, direct evidence is insufficient at this time (Ambry internal data). Since supporting evidence is limited at this time, the clinical significance of this alteration remains unclear.